The following is an entry in ClinVar:

ClinVar aggregate classification (germline): Uncertain significance (1 of 4 stars; one submission).

Allele frequency attached by ClinVar (database versions not stated): gnomAD exomes below 0.00001.
gnomAD v4.1: 1 of 1,613,990 alleles (0.000062%); no homozygotes.

Submission:

Labcorp Genetics (formerly Invitae), Labcorp
Classification: Uncertain significance. Last evaluated: 2020-01-10. Review status: criteria provided, single submitter. Criteria: Invitae Variant Classification Sherloc (09022015). Collection method: clinical testing. Allele origin: germline.
Comment: In summary, the available evidence is currently insufficient to determine the role of this variant in disease. Therefore, it has been classified as a Variant of Uncertain Significance. Nucleotide substitutions within the consensus splice site are a relatively common cause of aberrant splicing (PMID: 17576681, 9536098). Algorithms developed to predict the effect of sequence changes on RNA splicing suggest that this variant may disrupt the consensus splice site, but this prediction has not been confirmed by published transcriptional studies. Algorithms developed to predict the effect of missense changes on protein structure and function (SIFT, PolyPhen-2, Align-GVGD) all suggest that this variant is likely to be disruptive, but these predictions have not been confirmed by published functional studies and their clinical significance is uncertain. This variant has not been reported in the literature in individuals with USH2A-related conditions. This variant is not present in population databases (ExAC no frequency). This sequence change replaces glycine with serine at codon 2269 of the USH2A protein (p.Gly2269Ser). The glycine residue is highly conserved and there is a small physicochemical difference between glycine and serine. This variant also falls at the last nucleotide of exon 35 of the USH2A coding sequence, which is part of the consensus splice site for this exon.

Literature cited by the submitters: PubMed 17576681; PubMed 9536098.

NM_206933.4(USH2A):c.6805G>A (p.Gly2269Ser)

Gene: USH2A (usherin; minus strand). Cytogenetic location: 1q41.
Variant type: single nucleotide variant.
Coding change: c.6805G>A on transcript NM_206933.4 (MANE Select); coding-DNA position 6805, G replaced by A.
Protein change: p.Gly2269Ser; replaces glycine 2269 with serine.
Molecular consequence: missense variant.
Genome position (GRCh38, 1-based): chr1:215,993,020, C>T on the plus strand (G>A on the coding strand, the complement: USH2A is on the minus strand). VCF-style: chr1-215993020-C-T. GRCh37 (hg19) VCF-style: chr1-216166362-C-T.
Other names: short protein forms G2269S.
Identifiers: ClinVar variation 1006096 (VCV001006096.8), dbSNP rs1668037260, ClinGen allele CA344860097.